The following is an entry in ClinVar:

ClinVar aggregate classification (germline): Conflicting classifications of pathogenicity. Review status: criteria provided, conflicting classifications (1 of 4 stars). 4 submissions from 4 submitters: Uncertain significance (3); Likely benign (1). Last evaluated 2024-05-10.

Conditions:
Hereditary breast ovarian cancer syndrome. Also called: Hereditary breast and ovarian cancer; Hereditary breast and/or ovarian cancer syndrome; Hereditary breast and ovarian cancer syndrome; Hereditary breast and ovarian cancer syndrome (HBOC); Breast and ovarian cancer; BRCA1- and BRCA2-Associated Hereditary Breast and Ovarian Cancer. Identifiers: Orphanet 145, MedGen C0677776, MeSH D061325, MONDO:0003582. Disease mechanism: loss of function.
Hereditary cancer-predisposing syndrome. Also called: Hereditary neoplastic syndrome; Tumor predisposition; Neoplastic Syndromes, Hereditary; Hereditary Cancer Syndrome. Identifiers: Orphanet 140162, MedGen C0027672, MeSH D009386, MONDO:0015356.

Submissions (4):

GeneDx
Classification: Uncertain significance. Last evaluated: 2024-05-10. Review status: criteria provided, single submitter. Criteria: GeneDx Variant Classification Process June 2021. Collection method: clinical testing. Allele origin: germline. Affected: yes.
Comment: Not observed at significant frequency in large population cohorts (gnomAD); In silico analysis indicates that this missense variant does not alter protein structure/function; Has not been previously published as pathogenic or benign to our knowledge; Also known as 3652T>C

University of Washington Department of Laboratory Medicine, University of Washington
Classification: Likely benign for Hereditary cancer-predisposing syndrome. Last evaluated: 2023-03-23. Review status: criteria provided, single submitter. Criteria: Dines et al. (Genet Med. 2020). Collection method: curation. Allele origin: germline.
Comment: Missense variant in a coldspot region where missense variants are very unlikely to be pathogenic (PMID:31911673).

BRCA2 exon 11 coldspot. Reclassification based on statistical prior probability.

Ambry Genetics
Classification: Uncertain significance for Hereditary cancer-predisposing syndrome. Last evaluated: 2021-09-28. Review status: criteria provided, single submitter. Criteria: Ambry Variant Classification Scheme 2023. Collection method: clinical testing. Allele origin: germline.

Labcorp Genetics (formerly Invitae), Labcorp
Classification: Uncertain significance for Hereditary breast ovarian cancer syndrome. Last evaluated: 2019-09-09. Review status: criteria provided, single submitter. Criteria: Invitae Variant Classification Sherloc (09022015). Collection method: clinical testing. Allele origin: germline.
Comment: This variant is not present in population databases (ExAC no frequency). This sequence change replaces phenylalanine with leucine at codon 1142 of the BRCA2 protein (p.Phe1142Leu). The phenylalanine residue is weakly conserved and there is a small physicochemical difference between phenylalanine and leucine. This variant has not been reported in the literature in individuals with BRCA2-related conditions. Algorithms developed to predict the effect of missense changes on protein structure and function output the following: SIFT: "Tolerated"; PolyPhen-2: "Benign"; Align-GVGD: "Class C0". The leucine amino acid residue is found in multiple mammalian species, suggesting that this missense change does not adversely affect protein function. These predictions have not been confirmed by published functional studies and their clinical significance is uncertain. In summary, the available evidence is currently insufficient to determine the role of this variant in disease. Therefore, it has been classified as a Variant of Uncertain Significance.

NM_000059.4(BRCA2):c.3424T>C (p.Phe1142Leu)

Gene: BRCA2 (BRCA2 DNA repair associated; plus strand). Cytogenetic location: 13q13.1.
Variant type: single nucleotide variant.
Coding change: c.3424T>C on transcript NM_000059.4 (MANE Select); coding-DNA position 3424, T replaced by C.
Protein change: p.Phe1142Leu; replaces phenylalanine 1142 with leucine.
Molecular consequence: missense variant.
Genome position (GRCh38, 1-based): chr13:32,337,779, T>C. VCF-style: chr13-32337779-T-C. GRCh37 (hg19) VCF-style: chr13-32911916-T-C.
Other names: short protein forms F1142L.
Identifiers: ClinVar variation 954632 (VCV000954632.13), dbSNP rs2072480095, ClinGen allele CA387776533.